The following is an entry in ClinVar:

NM_001267550.2(TTN):c.16582G>A (p.Ala5528Thr)

Gene: TTN (titin; minus strand). Cytogenetic location: 2q31.2.
Variant type: single nucleotide variant.
Coding change: c.16582G>A on transcript NM_001267550.2 (MANE Select); coding-DNA position 16582, G replaced by A.
Protein change: p.Ala5528Thr; replaces alanine 5528 with threonine.
Molecular consequence: missense variant. On other transcripts: intron variant (3).
Genome position (GRCh38, 1-based): chr2:178,732,479, C>T on the plus strand (G>A on the coding strand, the complement: TTN is on the minus strand). VCF-style: chr2-178732479-C-T. GRCh37 (hg19) VCF-style: chr2-179597206-C-T.
Other names: p.Ala5211Thr; c.15631G>A, p.Ala5211Thr (NM_001256850.1); c.12850G>A, p.Ala4284Thr (NM_133378.4); c.13282+5603G>A (NM_003319.4); c.13858+5603G>A (NM_133437.4); c.13657+5603G>A (NM_133432.3); short protein forms A4284T, A5211T, A5528T.
Identifiers: ClinVar variation 2682789 (VCV002682789.3), dbSNP rs185753307, ClinGen allele CA2002013.
Genomic context (GRCh38, chr2:178,732,479, plus strand): 5'-TGTCAAGAAAACAATGCAAACCTTTTACAAACAAGTTTGCACTGCATTCCACCCCTCCAG[C>T]GACATTGCTGACTTTACATGTGTACGTGCCCGAATCAGAGGTTTTTACTAAATAGAGTTC-3'
Protein context (NP_001254479.2, residues 5518-5538): GTYTCKVSNV[Ala5528Thr]GGVECSANLF

ClinVar aggregate classification (germline): Uncertain significance. Review status: criteria provided, multiple submitters, no conflicts (2 of 4 stars). 3 submissions from 3 submitters: Uncertain significance (3). Last evaluated 2026-08-01.

Conditions:
TTN-related disorder. Also called: TTN-related disorders; TTN-related condition; TTN-related disease.

Allele frequency attached by ClinVar (database versions not stated): gnomAD exomes 0.00001; ExAC 0.00003; gnomAD 0.00003; TOPMed 0.00003; 1000 Genomes Project 30x 0.00016; 1000 Genomes Project 0.00020.
gnomAD v4.1: 23 of 1,612,638 alleles (0.0014%); highest among the groups gnomAD compares: Admixed American, 0.0033%; no homozygotes.

Submissions (3):

CeGaT Center for Human Genetics Tuebingen
Classification: Uncertain significance. Last evaluated: 2026-08-01. Review status: criteria provided, single submitter. Criteria: CeGaT Center For Human Genetics Tuebingen Variant Classification Criteria Version 2. Collection method: clinical testing. Allele origin: germline. Affected: yes. Observed: 1 variant allele.
Comment: TTN: PM2

PreventionGenetics, part of Exact Sciences
Classification: Uncertain significance for TTN-related condition. Last evaluated: 2025-10-15. Review status: criteria provided, single submitter. Criteria: ACMG Guidelines, 2015. Collection method: clinical testing. Allele origin: germline.
Comment: The TTN c.16582G>A variant is predicted to result in the amino acid substitution p.Ala5528Thr. To our knowledge, this variant has not been reported in the literature. This variant is reported in 0.0083% of alleles in individuals of African descent in gnomAD. At this time, the clinical significance of this variant is uncertain due to the absence of conclusive functional and genetic evidence.

Mayo Clinic Laboratories, Mayo Clinic
Classification: Uncertain significance. Last evaluated: 2022-02-10. Review status: criteria provided, single submitter. Criteria: ACMG Guidelines, 2015. Collection method: clinical testing. Allele origin: germline. Observed: 1 variant allele.